The following is an entry in ClinVar:

ClinVar aggregate classification (germline): Uncertain significance (1 of 4 stars; one submission).

Conditions:
Hereditary cancer-predisposing syndrome. Also called: Neoplastic Syndromes, Hereditary; Tumor predisposition; Hereditary neoplastic syndrome; Hereditary Cancer Syndrome. Identifiers: Orphanet 140162, MedGen C0027672, MeSH D009386, MONDO:0015356.
Cardiovascular phenotype. Identifiers: MedGen CN230736.

Submission:

Ambry Genetics
Classification: Uncertain significance for Cardiovascular phenotype; Hereditary cancer-predisposing syndrome. Last evaluated: 2023-12-30. Review status: criteria provided, single submitter. Criteria: Ambry Variant Classification Scheme 2023. Collection method: clinical testing. Allele origin: germline.
Comment: The p.I2563F variant (also known as c.7687A>T), located in coding exon 52 of the NF1 gene, results from an A to T substitution at nucleotide position 7687. The isoleucine at codon 2563 is replaced by phenylalanine, an amino acid with highly similar properties. This amino acid position is conserved. In addition, this alteration is predicted to be tolerated by in silico analysis. Since supporting evidence is limited at this time, the clinical significance of this alteration remains unclear.

NM_001042492.3(NF1):c.7750A>T (p.Ile2584Phe)

Gene: NF1 (neurofibromin 1; plus strand). Cytogenetic location: 17q11.2.
Variant type: single nucleotide variant.
Coding change: c.7750A>T on transcript NM_001042492.3 (MANE Select); coding-DNA position 7750, A replaced by T.
Protein change: p.Ile2584Phe; replaces isoleucine 2584 with phenylalanine.
Molecular consequence: missense variant.
Genome position (GRCh38, 1-based): chr17:31,356,971, A>T. VCF-style: chr17-31356971-A-T. GRCh37 (hg19) VCF-style: chr17-29683989-A-T.
Other names: c.7687A>T, p.Ile2563Phe (NM_000267.4); short protein forms I2563F, I2584F.
Identifiers: ClinVar variation 3237953 (VCV003237953.1), dbSNP rs1182393037.
Genomic context (GRCh38, chr17:31,356,971, plus strand): 5'-AAGTGATTATCCAGGTGTTTGATCACGTTAATTCCCTATCTTGCTGCAGAAACTCAGAGG[A>T]TTTCCTCATCACAACAGCACCCACATTTACGTAAAGTTTCAGTGTCTGAATCAAATGTTC-3'
Protein context (NP_001035957.1, residues 2574-2594): ETDYEMETQR[Ile2584Phe]SSSQQHPHLR